The following is an entry in ClinVar:

ClinVar aggregate classification (germline): Likely benign. Review status: criteria provided, multiple submitters, no conflicts (2 of 4 stars). 3 submissions from 3 submitters: Likely benign (3). Last evaluated 2024-09-16.

Conditions:
Dilated cardiomyopathy 1G (CMD1G). Identifiers: Orphanet 154, MedGen C1858763, MONDO:0011400, OMIM 604145.
Autosomal recessive limb-girdle muscular dystrophy type 2J (LGMDR10). Also called: Limb-girdle muscular dystrophy, type 2J; MUSCULAR DYSTROPHY, LIMB-GIRDLE, AUTOSOMAL RECESSIVE 10. Identifiers: Orphanet 140922, MedGen C1837342, MONDO:0012127, OMIM 608807.
Cardiovascular phenotype. Identifiers: MedGen CN230736.

Allele frequency attached by ClinVar (database versions not stated): gnomAD exomes below 0.00001; gnomAD 0.00001; TOPMed 0.00001.
gnomAD v4.1: 5 of 1,612,606 alleles (0.00031%); highest among the groups gnomAD compares: African/African-American, 0.004%; no homozygotes.

Submissions (3):

Labcorp Genetics (formerly Invitae), Labcorp
Classification: Likely benign for Dilated cardiomyopathy 1G; Autosomal recessive limb-girdle muscular dystrophy type 2J. Last evaluated: 2024-09-16. Review status: criteria provided, single submitter. Criteria: Invitae Variant Classification Sherloc (09022015). Collection method: clinical testing. Allele origin: germline.

Ambry Genetics
Classification: Likely benign for Cardiovascular phenotype. Last evaluated: 2019-11-08. Review status: criteria provided, single submitter. Criteria: Ambry Variant Classification Scheme 2023. Collection method: clinical testing. Allele origin: germline.

GeneDx
Classification: Likely benign. Last evaluated: 2017-09-14. Review status: criteria provided, single submitter. Criteria: GeneDx Variant Classification (06012015). Collection method: clinical testing. Allele origin: germline. Affected: yes.
Comment: This variant is considered likely benign or benign based on one or more of the following criteria: it is a conservative change, it occurs at a poorly conserved position in the protein, it is predicted to be benign by multiple in silico algorithms, and/or has population frequency not consistent with disease.

NM_001267550.2(TTN):c.44775T>C (p.Asp14925=)

Gene: TTN (titin; minus strand). Cytogenetic location: 2q31.2.
Variant type: single nucleotide variant.
Coding change: c.44775T>C on transcript NM_001267550.2 (MANE Select); coding-DNA position 44775, T replaced by C.
Protein change: p.Asp14925=; no amino-acid change (aspartic acid 14925 retained).
Molecular consequence: synonymous variant.
Genome position (GRCh38, 1-based): chr2:178,624,505, A>G on the plus strand (T>C on the coding strand, the complement: TTN is on the minus strand). VCF-style: chr2-178624505-A-G. GRCh37 (hg19) VCF-style: chr2-179489232-A-G.
Other names: c.39852T>C, p.Asp13284= (NM_001256850.1); c.17580T>C, p.Asp5860= (NM_003319.4); c.37071T>C, p.Asp12357= (NM_133378.4); c.17955T>C, p.Asp5985= (NM_133432.3); c.18156T>C, p.Asp6052= (NM_133437.4).
Identifiers: ClinVar variation 516818 (VCV000516818.8), dbSNP rs879210476, ClinGen allele CA60996719.